The following is an entry in ClinVar:

NM_005689.4(ABCB6):c.1751G>A (p.Arg584His)

Gene: ABCB6 (ATP binding cassette subfamily B member 6 (LAN blood group); minus strand). Cytogenetic location: 2q35.
Variant type: single nucleotide variant.
Coding change: c.1751G>A on transcript NM_005689.4 (MANE Select); coding-DNA position 1751, G replaced by A.
Protein change: p.Arg584His; replaces arginine 584 with histidine.
Molecular consequence: missense variant.
Genome position (GRCh38, 1-based): chr2:219,213,295, C>T on the plus strand (G>A on the coding strand, the complement: ABCB6 is on the minus strand). VCF-style: chr2-219213295-C-T. GRCh37 (hg19) VCF-style: chr2-220078017-C-T.
Other names: c.1613G>A, p.Arg538His (NM_001349828.2); short protein forms R538H, R584H.
Identifiers: ClinVar variation 2635838 (VCV002635838.1), dbSNP rs145498806, ClinGen allele CA2119240.

ClinVar aggregate classification (germline): Uncertain significance (1 of 4 stars; one submission).

Conditions:
ABCB6-related disorder. Also called: ABCB6-related condition.

Allele frequency attached by ClinVar (database versions not stated): ExAC 0.00002; TOPMed 0.00002; gnomAD 0.00003; gnomAD exomes 0.00006; ESP Exome Variant Server 0.00008.

Submission:

PreventionGenetics, part of Exact Sciences
Classification: Uncertain significance for ABCB6-related condition. Last evaluated: 2022-08-26. Review status: criteria provided, single submitter. Criteria: ACMG Guidelines, 2015. Collection method: clinical testing. Allele origin: germline.
Comment: The ABCB6 c.1751G>A variant is predicted to result in the amino acid substitution p.Arg584His. To our knowledge, this variant has not been reported in the literature. This variant is reported in 0.0053% of alleles in individuals of European (Non-Finnish) descent in gnomAD. At this time, the clinical significance of this variant is uncertain due to the absence of conclusive functional and genetic evidence.